The following is an entry in ClinVar:

ClinVar aggregate classification (germline): Uncertain significance (1 of 4 stars; one submission).

Submission:

Labcorp Genetics (formerly Invitae), Labcorp
Classification: Uncertain significance. Last evaluated: 2023-10-22. Review status: criteria provided, single submitter. Criteria: Invitae Variant Classification Sherloc (09022015). Collection method: clinical testing. Allele origin: germline.
Comment: This sequence change replaces glycine, which is neutral and non-polar, with valine, which is neutral and non-polar, at codon 385 of the ASXL1 protein (p.Gly385Val). This variant is not present in population databases (gnomAD no frequency). This variant has not been reported in the literature in individuals affected with ASXL1-related conditions. An algorithm developed to predict the effect of missense changes on protein structure and function (PolyPhen-2) suggests that this variant is likely to be disruptive. In summary, the available evidence is currently insufficient to determine the role of this variant in disease. Therefore, it has been classified as a Variant of Uncertain Significance.

NM_015338.6(ASXL1):c.1154G>T (p.Gly385Val)

Gene: ASXL1 (ASXL transcriptional regulator 1; plus strand). Cytogenetic location: 20q11.21.
Variant type: single nucleotide variant.
Coding change: c.1154G>T on transcript NM_015338.6 (MANE Select); coding-DNA position 1154, G replaced by T.
Protein change: p.Gly385Val; replaces glycine 385 with valine.
Molecular consequence: missense variant.
Genome position (GRCh38, 1-based): chr20:32,433,352, G>T. VCF-style: chr20-32433352-G-T. GRCh37 (hg19) VCF-style: chr20-31021155-G-T.
Other names: c.971G>T, p.Gly324Val (NM_001363734.1); short protein forms G385V, G324V.
Identifiers: ClinVar variation 2771028 (VCV002771028.3), dbSNP rs757915934, ClinGen allele CA408555988.
Genomic context (GRCh38, chr20:32,433,352, plus strand): 5'-TGACCAAAGAAGAGTCATTGCAGCAGAACGTGGGCCAGGAGGAGGCTGAAATCAAAAGTG[G>T]CTTGTGTGTCCCAGGAGAATCAGTGCGTATACAGCGTGGTCCAGCCACCCGACAGCGAGA-3'
Protein context (NP_056153.2, residues 375-395): VGQEEAEIKS[Gly385Val]LCVPGESVRI